The following is an entry in ClinVar:

NM_005562.3(LAMC2):c.2829_2832del (p.Thr944fs)

Gene: LAMC2 (laminin subunit gamma 2; plus strand). Cytogenetic location: 1q25.3.
Variant type: Deletion.
Coding change: c.2829_2832del on transcript NM_005562.3 (MANE Select); coding-DNA positions 2829 to 2832, 4 bases deleted (CACT; older notation c.2829_2832delCACT).
Protein change: p.Thr944fs; shifts the reading frame from threonine 944.
Molecular consequence: frameshift variant.
Genome position (GRCh38, 1-based): chr1:183,238,381-183,238,384, CACT deleted. VCF-style (leftmost placement, unchanged base first): chr1-183238380-CCACT-C. GRCh37 (hg19) VCF-style: chr1-183207515-CCACT-C.
Other names: c.2829_2832del, p.Thr944fs (NM_018891.3); short protein forms T944fs.
Identifiers: ClinVar variation 5015036 (VCV005015036.1).

ClinVar aggregate classification (germline): Pathogenic (1 of 4 stars; one submission).

Conditions:
Junctional epidermolysis bullosa. Identifiers: Orphanet 305, MedGen C0079301, MONDO:0017612.

Submission:

Myriad Genetics, Inc.
Classification: Pathogenic for Junctional epidermolysis bullosa. Last evaluated: 2025-09-30. Review status: criteria provided, single submitter. Criteria: Myriad Autosomal Dominant, Autosomal Recessive and X-Linked Classification Criteria (2023). Collection method: clinical testing. Allele origin: unknown.
Comment: NM_005562.2(LAMC2):c.2829_2832delCACT(T944Ffs*29) is expected to be pathogenic in the context of junctional epidermolysis bullosa, LAMC2-related. This variant is predicted to lead to an abnormal or absent protein product due to the creation of a premature termination codon in LAMC2, a gene where loss-of-function variants are known to be pathogenic. Please note: this variant was assessed in the context of healthy population screening.